The following is an entry in ClinVar:

ClinVar aggregate classification (germline): Likely pathogenic (1 of 4 stars; one submission).

gnomAD v4.1: 1 of 1,172,645 alleles (0.000085%); highest among the groups gnomAD compares: Non-Finnish European, 0.00011%; no homozygotes.

Submission:

CeGaT Center for Human Genetics Tuebingen
Classification: Likely pathogenic. Last evaluated: 2025-08-01. Review status: criteria provided, single submitter. Criteria: CeGaT Center For Human Genetics Tuebingen Variant Classification Criteria Version 2. Collection method: clinical testing. Allele origin: germline. Affected: yes. Observed: 1 variant allele.
Comment: KDM5C: PP4:Strong, PM2, PP3

NM_004187.5(KDM5C):c.3300+71A>G

Gene: KDM5C (lysine demethylase 5C; minus strand). Cytogenetic location: Xp11.22.
Variant type: single nucleotide variant.
Coding change: c.3300+71A>G on transcript NM_004187.5 (MANE Select); 71 bases into the intron after coding-DNA position 3300, A replaced by G.
Molecular consequence: intron variant.
Genome position (GRCh38, 1-based): chrX:53,195,160, T>C on the plus strand (A>G on the coding strand, the complement: KDM5C is on the minus strand). VCF-style: chrX-53195160-T-C. GRCh37 (hg19) VCF-style: chrX-53224342-T-C.
Other names: c.3297+71A>G (NM_001353982.2, NM_001353979.2, NM_001282622.3); c.3300+71A>G (NM_001353981.2, NM_001353984.2, NM_001353978.3); c.3099+71A>G (NM_001146702.2).
Identifiers: ClinVar variation 4281593 (VCV004281593.7).